The following is an entry in ClinVar:

NM_024642.5(GALNT12):c.918-6T>C

Gene: GALNT12 (polypeptide N-acetylgalactosaminyltransferase 12; plus strand). Cytogenetic location: 9q22.33.
Variant type: single nucleotide variant.
Coding change: c.918-6T>C on transcript NM_024642.5 (MANE Select); 6 bases into the intron before coding-DNA position 918, T replaced by C.
Molecular consequence: intron variant.
Genome position (GRCh38, 1-based): chr9:98,835,243, T>C. VCF-style: chr9-98835243-T-C. GRCh37 (hg19) VCF-style: chr9-101597525-T-C.
Identifiers: ClinVar variation 4876186 (VCV004876186.1).

ClinVar aggregate classification (germline): Likely benign (1 of 4 stars; one submission).

Conditions:
Colorectal cancer, susceptibility to, 1. Also called: COLORECTAL ADENOMA AND CANCER, SUSCEPTIBILITY TO; COLORECTAL CANCER, SUSCEPTIBILITY TO, ON CHROMOSOME 9. Identifiers: MedGen C1837315, MONDO:0012132, OMIM 608812.

Submission:

Myriad Genetics, Inc.
Classification: Likely benign for Colorectal cancer, susceptibility to, 1. Last evaluated: 2026-04-21. Review status: criteria provided, single submitter. Criteria: Myriad Autosomal Dominant, Autosomal Recessive and X-Linked Classification Criteria (2023). Collection method: clinical testing. Allele origin: unknown.
Comment: This variant is considered likely benign. This variant is intronic and is not expected to impact mRNA splicing.